The following is an entry in ClinVar:

ClinVar aggregate classification (germline): Uncertain significance (1 of 4 stars; one submission).

Conditions:
Familial thoracic aortic aneurysm and aortic dissection (TAAD). Also called: Thoracic aortic aneurysms and dissections. Identifiers: Orphanet 91387, MedGen C4707243, MONDO:0019625.

Submission:

Ambry Genetics
Classification: Uncertain significance for Familial thoracic aortic aneurysm and aortic dissection. Last evaluated: 2024-11-10. Review status: criteria provided, single submitter. Criteria: Ambry Variant Classification Scheme 2023. Collection method: clinical testing. Allele origin: germline.
Comment: The p.F169L variant (also known as c.507C>A), located in coding exon 1 of the SKI gene, results from a C to A substitution at nucleotide position 507. The phenylalanine at codon 169 is replaced by leucine, an amino acid with highly similar properties. This amino acid position is conserved. In addition, the in silico prediction for this alteration is inconclusive. Based on the available evidence, the clinical significance of this variant remains unclear.

NM_003036.4(SKI):c.507C>A (p.Phe169Leu)

Gene: SKI (SKI proto-oncogene; plus strand). Cytogenetic location: 1p36.33.
Variant type: single nucleotide variant.
Coding change: c.507C>A on transcript NM_003036.4 (MANE Select); coding-DNA position 507, C replaced by A.
Protein change: p.Phe169Leu; replaces phenylalanine 169 with leucine.
Molecular consequence: missense variant.
Genome position (GRCh38, 1-based): chr1:2,229,273, C>A. VCF-style: chr1-2229273-C-A. GRCh37 (hg19) VCF-style: chr1-2160712-C-A.
Other names: short protein forms F169L.
Identifiers: ClinVar variation 3442311 (VCV003442311.1).
Genomic context (GRCh38, chr1:2,229,273, plus strand): 5'-CTGCTCGCGCTGCACGGCCGACCAGCTGGAGATCCTCAAAGTCATGGGCATCCTGCCCTT[C>A]TCGGCGCCCTCGTGCGGGCTCATCACCAAGACGGACGCCGAGCGCCTGTGCAACGCGCTG-3'
Protein context (NP_003027.1, residues 159-179): EILKVMGILP[Phe169Leu]SAPSCGLITK